The following is an entry in ClinVar:

NM_182925.5(FLT4):c.969C>T (p.Thr323=)

Gene: FLT4 (fms related receptor tyrosine kinase 4; minus strand). Cytogenetic location: 5q35.3.
Variant type: single nucleotide variant.
Coding change: c.969C>T on transcript NM_182925.5 (MANE Select); coding-DNA position 969, C replaced by T.
Protein change: p.Thr323=; no amino-acid change (threonine 323 retained).
Molecular consequence: synonymous variant.
Genome position (GRCh38, 1-based): chr5:180,629,275, G>A on the plus strand (C>T on the coding strand, the complement: FLT4 is on the minus strand). VCF-style: chr5-180629275-G-A. GRCh37 (hg19) VCF-style: chr5-180056275-G-A.
Other names: c.969C>T, p.Thr323= (NM_001354989.2, NM_002020.5).
Identifiers: ClinVar variation 3031287 (VCV003031287.2), dbSNP rs371544933, ClinGen allele CA3606947.

ClinVar aggregate classification (germline): Likely benign (0 of 4 stars; one submission).

Conditions:
FLT4-related disorder. Also called: FLT4-related condition.

Allele frequency attached by ClinVar (database versions not stated): ExAC 0.00003; gnomAD 0.00003; gnomAD exomes 0.00004; TOPMed 0.00004; ESP Exome Variant Server 0.00008.
gnomAD v4.1: 68 of 1,612,976 alleles (0.0042%); highest among the groups gnomAD compares: African/African-American, 0.0067%; no homozygotes.

Submission:

PreventionGenetics, part of Exact Sciences
Classification: Likely benign for FLT4-related condition. Last evaluated: 2020-11-16. Review status: no assertion criteria provided. Collection method: clinical testing. Allele origin: germline.
Comment: This variant is classified as likely benign based on ACMG/AMP sequence variant interpretation guidelines (Richards et al. 2015 PMID: 25741868, with internal and published modifications).